The following is an entry in ClinVar:

NM_001282225.2(ADA2):c.205G>A (p.Ala69Thr)

Gene: ADA2 (adenosine deaminase 2; minus strand). Cytogenetic location: 22q11.1.
Variant type: single nucleotide variant.
Coding change: c.205G>A on transcript NM_001282225.2 (MANE Select); coding-DNA position 205, G replaced by A.
Protein change: p.Ala69Thr; replaces alanine 69 with threonine.
Molecular consequence: missense variant. On other transcripts: intron variant (1).
Genome position (GRCh38, 1-based): chr22:17,209,473, C>T on the plus strand (G>A on the coding strand, the complement: ADA2 is on the minus strand). VCF-style: chr22-17209473-C-T. GRCh37 (hg19) VCF-style: chr22-17690363-C-T.
Other names: c.205G>A, p.Ala69Thr (NM_001282226.2); c.79G>A, p.Ala27Thr (NM_001282227.2, NM_001282228.2); c.-38-2183G>A (NM_001282229.2); short protein forms A27T, A69T.
Identifiers: ClinVar variation 1392684 (VCV001392684.6), dbSNP rs374965869, ClinGen allele CA10088304.

ClinVar aggregate classification (germline): Uncertain significance. Review status: criteria provided, multiple submitters, no conflicts (2 of 4 stars). 2 submissions from 2 submitters: Uncertain significance (2). Last evaluated 2024-02-24.

Conditions:
Sneddon syndrome (SNDNS). Also called: Idiopathic livedo reticularis with systemic involvement; LIVEDO RETICULARIS AND CEREBROVASCULAR ACCIDENTS. Identifiers: Orphanet 820, MedGen C0282492, MONDO:0008436, OMIM 182410.
Deficiency of adenosine deaminase 2. Also called: VASCULITIS, AUTOINFLAMMATION, IMMUNODEFICIENCY, AND HEMATOLOGIC DEFECTS SYNDROME; Polyarteritis nodosa, childhoood-onset; Adenosine Deaminase 2 Deficiency. Identifiers: Orphanet 404553, MedGen C3887654, MONDO:0014306, OMIM 615688, MONDO:0100317.

Allele frequency attached by ClinVar (database versions not stated): ExAC 0.00001; gnomAD exomes 0.00002; ESP Exome Variant Server 0.00008.

Submissions (2):

Labcorp Genetics (formerly Invitae), Labcorp
Classification: Uncertain significance for Deficiency of adenosine deaminase 2. Last evaluated: 2024-02-24. Review status: criteria provided, single submitter. Criteria: Invitae Variant Classification Sherloc (09022015). Collection method: clinical testing. Allele origin: germline.
Comment: This sequence change replaces alanine, which is neutral and non-polar, with threonine, which is neutral and polar, at codon 69 of the ADA2 protein (p.Ala69Thr). This variant is present in population databases (rs374965869, gnomAD 0.009%). This variant has not been reported in the literature in individuals affected with ADA2-related conditions. ClinVar contains an entry for this variant (Variation ID: 1392684). Algorithms developed to predict the effect of missense changes on protein structure and function output the following: SIFT: "Not Available"; PolyPhen-2: "Benign"; Align-GVGD: "Not Available". The threonine amino acid residue is found in multiple mammalian species, which suggests that this missense change does not adversely affect protein function. In summary, the available evidence is currently insufficient to determine the role of this variant in disease. Therefore, it has been classified as a Variant of Uncertain Significance.

Fulgent Genetics
Classification: Uncertain significance for Sneddon syndrome; Deficiency of adenosine deaminase 2. Last evaluated: 2021-12-14. Review status: criteria provided, single submitter. Criteria: ACMG Guidelines, 2015. Collection method: clinical testing. Allele origin: unknown.